The following is an entry in ClinVar:

ClinVar aggregate classification (germline): Likely pathogenic (1 of 4 stars; one submission).

Conditions:
Bardet-Biedl syndrome (BBS). Identifiers: Orphanet 110, MedGen C0752166, MONDO:0015229.

Submission:

Labcorp Genetics (formerly Invitae), Labcorp
Classification: Likely pathogenic for Bardet-Biedl syndrome. Last evaluated: 2022-03-09. Review status: criteria provided, single submitter. Criteria: Invitae Variant Classification Sherloc (09022015). Collection method: clinical testing. Allele origin: germline.
Comment: This variant results in a copy number gain of the genomic region encompassing exon(s) 16-17 of the WDPCP gene. While the exact position of this variant cannot be determined from the data, sub-genic copy number gains are generally in tandem (PMID: 25640679). This variant is predicted to be out-of-frame, and may result in an absent or disrupted protein product. Loss-of-function variants in WDPCP are known to be pathogenic (PMID: 20671153, 25427950, 27158779). In summary, the currently available evidence indicates that the variant is pathogenic, but additional data are needed to prove that conclusively. Therefore, this variant has been classified as Likely Pathogenic. This variant has not been reported in the literature in individuals affected with WDPCP-related conditions.

Literature cited by the submitters: PubMed 25640679; PubMed 20671153; PubMed 25427950; PubMed 27158779.

NC_000002.11:g.(?_63380029)_(63380729_?)dup

Gene: WDPCP (WD repeat containing planar cell polarity effector; minus strand). Cytogenetic location: 2p15.
Variant type: Duplication.
Identifiers: ClinVar variation 2426241 (VCV002426241.4).